The following is an entry in ClinVar:

GRCh38/hg38 20p13(chr20:421494-500975)x1

Genes: CSNK2A1 (casein kinase 2 alpha 1; minus strand), RBCK1 (RANBP2-type and C3HC4-type zinc finger containing 1; plus strand), TBC1D20 (TBC1 domain family member 20; minus strand), LOC130065264 (ATAC-STARR-seq lymphoblastoid silent region 12576; plus strand), LOC130065265 (ATAC-STARR-seq lymphoblastoid silent region 12577; plus strand) and 1 more. Cytogenetic location: 20p13.
Variant type: copy number loss.
Change: copy number 1 (one copy instead of two) of chr20:421,494-500,975 (79.5 kb, GRCh38 coordinates, 1-based), cytogenetic band 20p13.
Identifiers: ClinVar variation 4871846 (VCV004871846.1).

ClinVar aggregate classification (germline): Likely pathogenic (1 of 4 stars; one submission).

Conditions:
Okur-Chung neurodevelopmental syndrome (OCNDS). Identifiers: Orphanet 689422, MedGen C4310739, MONDO:0014893, OMIM 617062.

Submission:

Unidad de Genómica Garrahan, Hospital de Pediatría Garrahan
Classification: Likely pathogenic for Okur-Chung neurodevelopmental syndrome. Last evaluated: 2026-07-20. Review status: criteria provided, single submitter. Criteria: ACMG/ClinGen CNV Guidelines, 2019. Collection method: clinical testing. Allele origin: de novo. Affected: yes. Observed: 1 variant allele, 1 heterozygote.
Comment: The identified deletion involves exons 5–14 of CSNK2A1, a gene associated with Okur-Chung syndrome (OMIM:617062), an autosomal dominant disorder. To date, the literature has reported predominantly missense and truncating variants in CSNK2A1, whereas partial or whole-gene deletions have not been described.

Literature cited by the submitters: DOI 10.1038/s41436-021-01150-9.